The following is an entry in ClinVar:

NM_000701.8(ATP1A1):c.2692G>A (p.Val898Met)

Genes: ATP1A1 (ATPase Na+/K+ transporting subunit alpha 1; plus strand), ATP1A1-AS1 (ATP1A1 antisense RNA 1; minus strand). Cytogenetic location: 1p13.1.
Variant type: single nucleotide variant.
Coding change: c.2692G>A on transcript NM_000701.8 (MANE Select); coding-DNA position 2692, G replaced by A.
Protein change: p.Val898Met; replaces valine 898 with methionine.
Molecular consequence: missense variant. On other transcripts: non-coding transcript variant (2).
Genome position (GRCh38, 1-based): chr1:116,400,980, G>A. VCF-style: chr1-116400980-G-A. GRCh37 (hg19) VCF-style: chr1-116943602-G-A.
Other names: c.2692G>A, p.Val898Met (NM_001160233.2); c.2599G>A, p.Val867Met (NM_001160234.2); short protein forms V867M, V898M.
Identifiers: ClinVar variation 3362049 (VCV003362049.1).

ClinVar aggregate classification (germline): Uncertain significance (1 of 4 stars; one submission).

Submission:

GeneDx
Classification: Uncertain significance. Last evaluated: 2023-05-30. Review status: criteria provided, single submitter. Criteria: GeneDx Variant Classification Process June 2021. Collection method: clinical testing. Allele origin: germline. Affected: yes.
Comment: Not observed at significant frequency in large population cohorts (gnomAD); In silico analysis supports that this missense variant does not alter protein structure/function; Has not been previously published as pathogenic or benign to our knowledge